The following is an entry in ClinVar:

ClinVar aggregate classification (germline): Pathogenic/Likely pathogenic. Review status: criteria provided, multiple submitters, no conflicts (2 of 4 stars). 4 submissions from 4 submitters: Pathogenic (2); Likely pathogenic (2). Last evaluated 2025-06-16.

Conditions:
TCTN1-related disorder. Also called: TCTN1-related condition.
Meckel-Gruber syndrome. Also called: DYSENCEPHALIA SPLANCHNOCYSTICA; GRUBER SYNDROME; Dysencephalia splachnocystica. Identifiers: Orphanet 564, MedGen C0265215, MONDO:0018921.
Joubert syndrome. Also called: Familial aplasia of the vermis; JOUBERT-BOLTSHAUSER SYNDROME. Identifiers: Orphanet 475, MedGen C5979921, MONDO:0018772.

Submissions (4):

PreventionGenetics, part of Exact Sciences
Classification: Likely pathogenic for TCTN1-related condition. Last evaluated: 2025-06-16. Review status: criteria provided, single submitter. Criteria: ACMG Guidelines, 2015. Collection method: clinical testing. Allele origin: germline.
Comment: The TCTN1 c.1418delC variant is predicted to result in a frameshift and premature protein termination (p.Pro473Leufs*42). This variant has been reported in the compound heterozygous state with a missense variant in an individual with Joubert syndrome (Shirah et al 2022. PubMed ID: 34980503). This variant is reported in 0.0053% of alleles in individuals of European (Non-Finnish) descent in gnomAD. Frameshift variants in TCTN1 are expected to be pathogenic. This variant is interpreted as likely pathogenic.

Labcorp Genetics (formerly Invitae), Labcorp
Classification: Pathogenic for Joubert syndrome; Meckel-Gruber syndrome. Last evaluated: 2025-03-07. Review status: criteria provided, single submitter. Criteria: Invitae Variant Classification Sherloc (09022015). Collection method: clinical testing. Allele origin: germline.
Comment: This sequence change creates a premature translational stop signal (p.Pro473Leufs*42) in the TCTN1 gene. It is expected to result in an absent or disrupted protein product. Loss-of-function variants in TCTN1 are known to be pathogenic (PMID: 21725307, 22693042, 27894351). This variant is present in population databases (rs757348545, gnomAD 0.004%). This variant has not been reported in the literature in individuals affected with TCTN1-related conditions. ClinVar contains an entry for this variant (Variation ID: 631669). Algorithms developed to predict the effect of sequence changes on RNA splicing suggest that this variant may disrupt the consensus splice site. For these reasons, this variant has been classified as Pathogenic.

GeneDx
Classification: Pathogenic. Last evaluated: 2023-12-12. Review status: criteria provided, single submitter. Criteria: GeneDx Variant Classification Process June 2021. Collection method: clinical testing. Allele origin: germline. Affected: yes.
Comment: Frameshift variant predicted to result in protein truncation or nonsense mediated decay in a gene for which loss-of-function is a known mechanism of disease; Not observed at a significant frequency in large population cohorts (gnomAD); This variant is associated with the following publications: (PMID: 34980503)

Blueprint Genetics
Classification: Likely pathogenic for TCTN1-related disorders. Last evaluated: 2021-12-22. Review status: criteria provided, single submitter. Criteria: ACMG Guidelines, 2015. Collection method: clinical testing. Allele origin: germline. Affected: yes. Observed: 3 variant alleles.

Literature cited by the submitters: PubMed 21725307 (cited by Labcorp Genetics (formerly Invitae), Labcorp); PubMed 22693042 (cited by Labcorp Genetics (formerly Invitae), Labcorp); PubMed 27894351 (cited by Labcorp Genetics (formerly Invitae), Labcorp).

NM_001082538.3(TCTN1):c.1418del (p.Pro473fs)

Gene: TCTN1 (tectonic family member 1; plus strand). Cytogenetic location: 12q24.11.
Variant type: Deletion.
Coding change: c.1418del on transcript NM_001082538.3 (MANE Select); coding-DNA position 1418, one base deleted (C; older notation c.1418delC).
Protein change: p.Pro473fs; shifts the reading frame from proline 473.
Molecular consequence: frameshift variant. On other transcripts: non-coding transcript variant (1).
Genome position (GRCh38, 1-based): chr12:110,645,053, C deleted; the last of 4 consecutive C bases (chr12:110,645,050-110,645,053); deleting any one gives the same sequence. VCF-style (leftmost placement, unchanged base first): chr12-110645049-GC-G. GRCh37 (hg19) VCF-style: chr12-111082854-GC-G.
Other names: c.1418del, p.Pro473fs (NM_001082537.3); c.1250del, p.Pro417fs (NM_001173975.3); c.1091del, p.Pro364fs (NM_001173976.2); c.1271del, p.Pro424fs (NM_001319680.2); c.884del, p.Pro295fs (NM_001319681.2); c.1376del, p.Pro459fs (NM_024549.6); c.1418delC (NM_001082538.2); c.1418del (NM_001082538.2); short protein forms P295fs, P364fs, P417fs, P424fs, P473fs, P459fs.
Identifiers: ClinVar variation 631669 (VCV000631669.17), dbSNP rs757348545, ClinGen allele CA6786890.